The following is an entry in ClinVar:

NM_000465.4(BARD1):c.220T>C (p.Cys74Arg)

Gene: BARD1 (BRCA1 associated RING domain 1; minus strand). Cytogenetic location: 2q35.
Variant type: single nucleotide variant.
Coding change: c.220T>C on transcript NM_000465.4 (MANE Select); coding-DNA position 220, T replaced by C.
Protein change: p.Cys74Arg; replaces cysteine 74 with arginine.
Molecular consequence: missense variant. On other transcripts: non-coding transcript variant (1), intron variant (2).
Genome position (GRCh38, 1-based): chr2:214,792,441, A>G on the plus strand (T>C on the coding strand, the complement: BARD1 is on the minus strand). VCF-style: chr2-214792441-A-G. GRCh37 (hg19) VCF-style: chr2-215657165-A-G.
Other names: c.163T>C, p.Cys55Arg (NM_001282543.2); c.220T>C, p.Cys74Arg (NM_001282549.2); c.158+16971T>C (NM_001282548.2); c.215+4620T>C (NM_001282545.2); c.220T>C (NM_000465.2); short protein forms C74R, C55R.
Identifiers: ClinVar variation 1514129 (VCV001514129.9), dbSNP rs1574840055, ClinGen allele CA350461332.
Genomic context (GRCh38, chr2:214,792,441, plus strand): 5'-CTTGTATCCAGGCCGGGGTGTAACACACTGGACATCCAGTTCCAATGCAGTCACTTACAC[A>G]ATTACTTTAAAATAATTAAAAAAAAAAAAAAAAGCAACCCATTCAGCAGAATTTAATTCC-3'
Protein context (NP_000456.2, residues 64-84): GGCEHIFCSN[Cys74Arg]VSDCIGTGCP

ClinVar aggregate classification (germline): Uncertain significance. Review status: criteria provided, multiple submitters, no conflicts (2 of 4 stars). 2 submissions from 2 submitters: Uncertain significance (2). Last evaluated 2026-07-22.

Conditions:
Familial cancer of breast. Also called: Hereditary breast cancer; BREAST CANCER, FAMILIAL; hereditary breast carcinoma. Identifiers: Orphanet 227535, MedGen C0346153, MONDO:0016419, OMIM 114480. Disease mechanism: loss of function.
Hereditary cancer-predisposing syndrome. Also called: Hereditary Cancer Syndrome; Tumor predisposition; Neoplastic Syndromes, Hereditary; Hereditary neoplastic syndrome. Identifiers: Orphanet 140162, MedGen C0027672, MeSH D009386, MONDO:0015356.

Allele frequency attached by ClinVar (database versions not stated): gnomAD exomes below 0.00001.
gnomAD v4.1: 1 of 1,580,696 alleles (0.000063%); highest among the groups gnomAD compares: Non-Finnish European, 0.000086%; no homozygotes.

Submissions (2):

Ambry Genetics
Classification: Uncertain significance for Hereditary cancer-predisposing syndrome. Last evaluated: 2026-07-22. Review status: criteria provided, single submitter. Criteria: Ambry Variant Classification Scheme 2023. Collection method: clinical testing. Allele origin: germline.
Comment: The p.C74R variant (also known as c.220T>C), located in coding exon 3 of the BARD1 gene, results from a T to C substitution at nucleotide position 220. The cysteine at codon 74 is replaced by arginine, an amino acid with highly dissimilar properties. This amino acid position is conserved. In addition, this alteration is predicted to be deleterious by in silico analysis. Based on the available evidence, the clinical significance of this variant remains unclear.

Labcorp Genetics (formerly Invitae), Labcorp
Classification: Uncertain significance for Familial cancer of breast. Last evaluated: 2025-04-07. Review status: criteria provided, single submitter. Criteria: Invitae Variant Classification Sherloc (09022015). Collection method: clinical testing. Allele origin: germline.
Comment: This sequence change replaces cysteine, which is neutral and slightly polar, with arginine, which is basic and polar, at codon 74 of the BARD1 protein (p.Cys74Arg). This variant is not present in population databases (gnomAD no frequency). This variant has not been reported in the literature in individuals affected with BARD1-related conditions. ClinVar contains an entry for this variant (Variation ID: 1514129). An algorithm developed to predict the effect of missense changes on protein structure and function (PolyPhen-2) suggests that this variant is likely to be disruptive. In summary, the available evidence is currently insufficient to determine the role of this variant in disease. Therefore, it has been classified as a Variant of Uncertain Significance.